The following is an entry in ClinVar:

ClinVar aggregate classification (germline): Uncertain significance (1 of 4 stars; one submission).

Conditions:
Cardiovascular phenotype. Identifiers: MedGen CN230736.

Allele frequency attached by ClinVar (database versions not stated): TOPMed below 0.00001.

Submission:

Ambry Genetics
Classification: Uncertain significance for Cardiovascular phenotype. Last evaluated: 2023-12-03. Review status: criteria provided, single submitter. Criteria: Ambry Variant Classification Scheme 2023. Collection method: clinical testing. Allele origin: germline.
Comment: The p.E65A variant (also known as c.194A>C), located in coding exon 1 of the TNXB gene, results from an A to C substitution at nucleotide position 194. The glutamic acid at codon 65 is replaced by alanine, an amino acid with dissimilar properties. This amino acid position is conserved. In addition, the in silico prediction for this alteration is inconclusive. Since supporting evidence is limited at this time, the clinical significance of this alteration remains unclear.

NM_001365276.2(TNXB):c.194A>C (p.Glu65Ala)

Gene: TNXB (tenascin XB; minus strand). Cytogenetic location: 6p21.33.
Variant type: single nucleotide variant.
Coding change: c.194A>C on transcript NM_001365276.2 (MANE Select); coding-DNA position 194, A replaced by C.
Protein change: p.Glu65Ala; replaces glutamic acid 65 with alanine.
Molecular consequence: missense variant.
Genome position (GRCh38, 1-based): chr6:32,098,005, T>G on the plus strand (A>C on the coding strand, the complement: TNXB is on the minus strand). VCF-style: chr6-32098005-T-G. GRCh37 (hg19) VCF-style: chr6-32065782-T-G.
Other names: c.194A>C, p.Glu65Ala (NM_001428335.1, NM_019105.8); short protein forms E65A.
Identifiers: ClinVar variation 3227250 (VCV003227250.1), dbSNP rs1780509782, ClinGen allele CA363492587.
Genomic context (GRCh38, chr6:32,098,005, plus strand): 5'-CAGCCAGTGGAAGGGGGCAGGTTAATGCGGTGGGTGAATACCACCTGCTTCTCCCCTCCT[T>G]CCACTGTGTGCTCGTAAAGCTGAGAAGAGGGGCTTCCCACTCCAGCCCCCACTGTGTGGC-3'
Protein context (NP_001352205.1, residues 55-75): PSSQLYEHTV[Glu65Ala]GGEKQVVFTH